The following is an entry in ClinVar:

NM_144997.7(FLCN):c.1072G>T (p.Ala358Ser)

Gene: FLCN (folliculin; minus strand). Cytogenetic location: 17p11.2.
Variant type: single nucleotide variant.
Coding change: c.1072G>T on transcript NM_144997.7 (MANE Select); coding-DNA position 1072, G replaced by T.
Protein change: p.Ala358Ser; replaces alanine 358 with serine.
Molecular consequence: missense variant.
Genome position (GRCh38, 1-based): chr17:17,217,173, C>A on the plus strand (G>T on the coding strand, the complement: FLCN is on the minus strand). VCF-style: chr17-17217173-C-A. GRCh37 (hg19) VCF-style: chr17-17120487-C-A.
Other names: c.1126G>T, p.Ala376Ser (NM_001353229.2); c.1072G>T, p.Ala358Ser (NM_001353230.2, NM_001353231.2); short protein forms A358S, A376S.
Identifiers: ClinVar variation 2066171 (VCV002066171.6), dbSNP rs2046951963, ClinGen allele CA398532389.

ClinVar aggregate classification (germline): Uncertain significance. Review status: criteria provided, multiple submitters, no conflicts (2 of 4 stars). 2 submissions from 2 submitters: Uncertain significance (2). Last evaluated 2023-03-23.

Conditions:
Birt-Hogg-Dube syndrome. Also called: Birt Hogg Dubé syndrome. Identifiers: Orphanet 122, MedGen C0346010, MONDO:0800444.
Hereditary cancer-predisposing syndrome. Also called: Tumor predisposition; Hereditary Cancer Syndrome; Hereditary neoplastic syndrome; Neoplastic Syndromes, Hereditary. Identifiers: Orphanet 140162, MedGen C0027672, MeSH D009386, MONDO:0015356.

Submissions (2):

Ambry Genetics
Classification: Uncertain significance for Hereditary cancer-predisposing syndrome. Last evaluated: 2023-03-23. Review status: criteria provided, single submitter. Criteria: Ambry Variant Classification Scheme 2023. Collection method: clinical testing. Allele origin: germline.
Comment: The p.A358S variant (also known as c.1072G>T), located in coding exon 7 of the FLCN gene, results from a G to T substitution at nucleotide position 1072. The alanine at codon 358 is replaced by serine, an amino acid with similar properties. This amino acid position is conserved. In addition, the in silico prediction for this alteration is inconclusive. Since supporting evidence is limited at this time, the clinical significance of this alteration remains unclear.

Labcorp Genetics (formerly Invitae), Labcorp
Classification: Uncertain significance for Birt-Hogg-Dube syndrome. Last evaluated: 2021-12-30. Review status: criteria provided, single submitter. Criteria: Invitae Variant Classification Sherloc (09022015). Collection method: clinical testing. Allele origin: germline.
Comment: In summary, the available evidence is currently insufficient to determine the role of this variant in disease. Therefore, it has been classified as a Variant of Uncertain Significance. Algorithms developed to predict the effect of missense changes on protein structure and function (SIFT, PolyPhen-2, Align-GVGD) all suggest that this variant is likely to be tolerated. This variant has not been reported in the literature in individuals affected with FLCN-related conditions. This variant is not present in population databases (gnomAD no frequency). This sequence change replaces alanine, which is neutral and non-polar, with serine, which is neutral and polar, at codon 358 of the FLCN protein (p.Ala358Ser).